The following is an entry in ClinVar:

NM_000277.3(PAH):c.932T>C (p.Leu311Pro)

Gene: PAH (phenylalanine hydroxylase; minus strand). Cytogenetic location: 12q23.2.
Variant type: single nucleotide variant.
Coding change: c.932T>C on transcript NM_000277.3 (MANE Select); coding-DNA position 932, T replaced by C.
Protein change: p.Leu311Pro; replaces leucine 311 with proline.
Molecular consequence: missense variant.
Genome position (GRCh38, 1-based): chr12:102,846,932, A>G on the plus strand (T>C on the coding strand, the complement: PAH is on the minus strand). VCF-style: chr12-102846932-A-G. GRCh37 (hg19) VCF-style: chr12-103240710-A-G.
Other names: c.932T>C, p.Leu311Pro (NM_001354304.2); c.932T>C (NM_000277.2); short protein forms L311P.
Identifiers: ClinVar variation 578 (VCV000000578.103), dbSNP rs62642936, ClinGen allele CA251524.

ClinVar aggregate classification (germline): Pathogenic. Review status: reviewed by expert panel (3 of 4 stars). 10 submissions from 10 submitters: Pathogenic (1). 9 of the submissions do not count toward it. Last evaluated 2020-02-22.

Conditions:
Phenylketonuria (PKU). Also called: FOLLING DISEASE; Phenylketonuria (PKU); OLIGOPHRENIA PHENYLPYRUVICA; Phenylketonurias. Identifiers: Orphanet 716, MedGen C0031485, MONDO:0009861, OMIM 261600. Disease mechanism: loss of function.

Allele frequency attached by ClinVar (database versions not stated): TOPMed 0.00001; gnomAD exomes 0.00002 and 0.00001; ExAC 0.00001; gnomAD 0.00001.
gnomAD v4.1: 13 of 1,613,664 alleles (0.00081%); highest among the groups gnomAD compares: Non-Finnish European, 0.001%; no homozygotes.

Submissions (10):

ClinGen PAH Variant Curation Expert Panel
Classification: Pathogenic for Phenylketonuria. Last evaluated: 2020-02-22. Review status: reviewed by expert panel. Criteria: ClinGen PAH ACMG Specifications v1. Collection method: curation. Allele origin: germline.
Comment: The c.932T>C (p.Leu311Pro) variant in PAH has been reported in multiple individuals with PAH deficiency BH4 defect excluded). (PMID: 9634518). This variant has an extremely low allele frequency in gnomAD. This variant has enzyme activity <1% in both standard cDNA and intinic systems. This variant was detected with pathogenic variants I65T (PMID: 23842451) p.Y386C (PMID: 22841515) p.R261Q (PMID: 21871829) c.842+5G>A (PMID: 19609714) p.Gly257Asp (PMID: 26666653) (parental analysis not reported) and in trans with pathogenic variant c.842+1G>A (PMID: 27121329) >2 points. Computational evidence supports a deleterious effect. In summary, this variant meets criteria to be classified as pathogenic for PAH. PAH-specific ACMG/AMP criteria applied: PM3_Strong, PP4_Moderate, PS3_supporting, PM2, PP3.

CeGaT Center for Human Genetics Tuebingen
Classification: Pathogenic. Last evaluated: 2026-09-01. Review status: criteria provided, single submitter. Criteria: CeGaT Center For Human Genetics Tuebingen Variant Classification Criteria Version 2. Collection method: clinical testing. Allele origin: germline. Affected: yes. Observed: 1 variant allele. Not counted in ClinVar's aggregate classification.
Comment: PAH: PM3:Very Strong, PM2, PP4:Moderate, PP3, PS3:Supporting

Victorian Clinical Genetics Services, Murdoch Childrens Research Institute
Classification: Pathogenic for Phenylketonuria. Last evaluated: 2026-05-08. Review status: criteria provided, single submitter. Criteria: ACMG Guidelines, 2015. Collection method: clinical testing. Allele origin: germline. Affected: no. Not counted in ClinVar's aggregate classification.
Comment: This variant is classified as Pathogenic. Evidence in support of pathogenic classification: Variant is present in gnomAD <0.01 for a recessive condition (v4: 13 heterozygote(s), 0 homozygote(s)); This variant has been classified as pathogenic by multiple clinical laboratories, including the ClinGen PAH Variant Curation Expert Panel (ClinVar); Missense variant predicted to be damaging by in silico tool(s) or highly conserved with a major amino acid change. Additional information: Variant is predicted to result in a missense amino acid change from Leu to Pro; This variant is heterozygous; This gene is associated with autosomal recessive disease; Variant is located in the annotated Biopterin H domain (DECIPHER); Loss of function is a known mechanism of disease in this gene and is associated with phenylketonuria (MIM#261600).

Natera, Inc.
Classification: Pathogenic for Phenylketonuria. Last evaluated: 2024-10-25. Review status: criteria provided, single submitter. Criteria: Natera Variant Classification Schema (03/2026). Collection method: clinical testing. Allele origin: germline. Not counted in ClinVar's aggregate classification.
Comment: The c.932T>C variant in PAH is a missense variant predicted to cause substitution of leucine to proline at amino acid 311. This variant is rare in the general population with a frequency below the threshold expected for the associated phenotype(s). This variant has been observed in one or more individuals affected with the associated recessive disease, as either homozygous or compound heterozygous with a second variant (PMID: 21871829, 22841515, 12655550). Given the available evidence, this variant is classified as Pathogenic.

Labcorp Genetics (formerly Invitae), Labcorp
Classification: Pathogenic for Phenylketonuria. Last evaluated: 2023-05-09. Review status: criteria provided, single submitter. Criteria: Invitae Variant Classification Sherloc (09022015). Collection method: clinical testing. Allele origin: germline. Not counted in ClinVar's aggregate classification.
Comment: For these reasons, this variant has been classified as Pathogenic. Algorithms developed to predict the effect of sequence changes on RNA splicing suggest that this variant may create or strengthen a splice site. Experimental studies have shown that this missense change affects PAH function (PMID: 12655546, 17935162, 30037505). Advanced modeling of protein sequence and biophysical properties (such as structural, functional, and spatial information, amino acid conservation, physicochemical variation, residue mobility, and thermodynamic stability) performed at Invitae indicates that this missense variant is expected to disrupt PAH protein function. ClinVar contains an entry for this variant (Variation ID: 578). This missense change has been observed in individual(s) with hyperphenylalaninemia (PMID: 2615649, 2840952, 9359039, 9634518, 10394930, 21871829). This variant is present in population databases (rs62642936, gnomAD 0.005%). This sequence change replaces leucine, which is neutral and non-polar, with proline, which is neutral and non-polar, at codon 311 of the PAH protein (p.Leu311Pro).

Revvity Omics, Revvity
Classification: Pathogenic for Phenylketonuria. Last evaluated: 2020-07-17. Review status: criteria provided, single submitter. Criteria: ACMG Guidelines, 2015. Collection method: clinical testing. Allele origin: germline. Not counted in ClinVar's aggregate classification.

Women's Health and Genetics/Laboratory Corporation of America, LabCorp
Classification: Pathogenic for Phenylketonuria. Last evaluated: 2020-03-13. Review status: criteria provided, single submitter. Criteria: LabCorp Variant Classification Summary - May 2015. Collection method: clinical testing. Allele origin: germline. Not counted in ClinVar's aggregate classification.
Comment: Variant summary: PAH c.932T>C (p.Leu311Pro) results in a non-conservative amino acid change located in the Aromatic amino acid hydroxylase, C-terminal domain (IPR019774) of the encoded protein sequence. Five of five in-silico tools predict a damaging effect of the variant on protein function. The variant allele was found at a frequency of 2e-05 in 251288 control chromosomes (gnomAD). c.932T>C has been reported in the literature in multiple individuals in affected with Phenylalanine Hydroxylase Deficiency (Phenylketonuria) (Rivera_2000, Jeannesson-Thivisol_2015, Aldamiz-Echevarria_2016). These data indicate that the variant is very likely to be associated with disease. At least two in vitro studies report this variant has an impact on protein function and results in <10% of normal PAH activity. No clinical diagnostic laboratories have submitted clinical-significance assessments for this variant to ClinVar after 2014. Based on the evidence outlined above, the variant was classified as pathogenic.

Counsyl
Classification: Likely pathogenic for Phenylketonuria. Last evaluated: 2014-12-02. Review status: no assertion criteria provided. Collection method: literature only. Allele origin: unknown. Inheritance: Autosomal recessive inheritance. Not counted in ClinVar's aggregate classification.

OMIM
Classification: Pathogenic for PHENYLKETONURIA. Last evaluated: 1988-04-19. Review status: no assertion criteria provided. Collection method: literature only. Allele origin: germline. Not counted in ClinVar's aggregate classification.

DeBelle Laboratory for Biochemical Genetics, MUHC/MCH RESEARCH INSTITUTE
No classification provided. Review status: no classification provided. Collection method: not provided. Allele origin: not provided. Not counted in ClinVar's aggregate classification.

Literature cited by the submitters: PubMed 19609714 (cited by ClinGen PAH Variant Curation Expert Panel and Counsyl); PubMed 23842451 (cited by ClinGen PAH Variant Curation Expert Panel and Counsyl); PubMed 22841515 (cited by 3 submitters); PubMed 21871829 (cited by 4 submitters); PubMed 26666653 (cited by ClinGen PAH Variant Curation Expert Panel and Women's Health and Genetics/Laboratory Corporation of America, LabCorp); PubMed 27121329 (cited by ClinGen PAH Variant Curation Expert Panel and Women's Health and Genetics/Laboratory Corporation of America, LabCorp); PubMed 18590700 (cited by ClinGen PAH Variant Curation Expert Panel and Counsyl); PubMed 9634518 (cited by 3 submitters); PubMed 12655550 (cited by Natera, Inc.); PubMed 12655546 (cited by Labcorp Genetics (formerly Invitae), Labcorp); PubMed 17935162 (cited by 3 submitters); PubMed 30037505 (cited by Labcorp Genetics (formerly Invitae), Labcorp and Women's Health and Genetics/Laboratory Corporation of America, LabCorp); PubMed 2615649 (cited by Labcorp Genetics (formerly Invitae), Labcorp); PubMed 2840952 (cited by 3 submitters); PubMed 9359039 (cited by Labcorp Genetics (formerly Invitae), Labcorp); PubMed 10394930 (cited by Labcorp Genetics (formerly Invitae), Labcorp and Counsyl); PubMed 10767174 (cited by Women's Health and Genetics/Laboratory Corporation of America, LabCorp); PubMed 8981952 (cited by Counsyl); PubMed 21953985 (cited by Counsyl); PubMed 12655553 (cited by Counsyl); PubMed 17924342 (cited by Counsyl); PubMed 19062537 (cited by Counsyl); PubMed 15464430 (cited by Counsyl).